The following is an entry in ClinVar:

ClinVar aggregate classification (germline): Benign. Review status: criteria provided, multiple submitters, no conflicts (2 of 4 stars). 3 submissions from 3 submitters: Benign (2). 1 of the submissions does not count toward it. Last evaluated 2025-04-08.

Conditions:
KRT2-related disorder. Also called: KRT2-related condition.
Ichthyosis bullosa of Siemens (IBS). Also called: Superficial epidermolytic ichthyosis. Identifiers: Orphanet 455, MedGen C0432306, MONDO:0007813, OMIM 146800.

Allele frequency attached by ClinVar (database versions not stated): 1000 Genomes Project 0.00120; 1000 Genomes Project 30x 0.00125; TOPMed 0.00260; gnomAD exomes 0.00270 and 0.00404; gnomAD 0.00298 and 0.00315; ESP Exome Variant Server 0.00323; ExAC 0.00404.
gnomAD v4.1: 6,300 of 1,595,138 alleles (0.39%); highest among the groups gnomAD compares: Non-Finnish European, 0.47%; 20 homozygotes.

Submissions (3):

Labcorp Genetics (formerly Invitae), Labcorp
Classification: Benign. Last evaluated: 2025-04-08. Review status: criteria provided, single submitter. Criteria: Invitae Variant Classification Sherloc (09022015). Collection method: clinical testing. Allele origin: germline.

Illumina Laboratory Services, Illumina
Classification: Benign for Ichthyosis bullosa of Siemens. Last evaluated: 2018-01-13. Review status: criteria provided, single submitter. Criteria: ICSL Variant Classification Criteria 13 December 2019. Collection method: clinical testing. Allele origin: germline.
Comment: This variant was observed in the ICSL laboratory as part of a predisposition screen in an ostensibly healthy population. It had not been previously curated by ICSL or reported in the Human Gene Mutation Database (HGMD: prior to June 1st, 2018), and was therefore a candidate for classification through an automated scoring system. Utilizing variant allele frequency, disease prevalence and penetrance estimates, and inheritance mode, an automated score was calculated to assess if this variant is too frequent to cause the disease. Based on the score and internal cut-off values, a variant classified as benign is not then subjected to further curation. The score for this variant resulted in a classification of benign for this disease.

PreventionGenetics, part of Exact Sciences
Classification: Likely benign for KRT2-related condition. Last evaluated: 2024-08-27. Review status: no assertion criteria provided. Collection method: clinical testing. Allele origin: germline. Not counted in ClinVar's aggregate classification.
Comment: This variant is classified as likely benign based on ACMG/AMP sequence variant interpretation guidelines (Richards et al. 2015 PMID: 25741868, with internal and published modifications).

NM_000423.3(KRT2):c.58C>T (p.Arg20Trp)

Gene: KRT2 (keratin 2; minus strand). Cytogenetic location: 12q13.13.
Variant type: single nucleotide variant.
Coding change: c.58C>T on transcript NM_000423.3 (MANE Select); coding-DNA position 58, C replaced by T.
Protein change: p.Arg20Trp; replaces arginine 20 with tryptophan.
Molecular consequence: missense variant.
Genome position (GRCh38, 1-based): chr12:52,652,085, G>A on the plus strand (C>T on the coding strand, the complement: KRT2 is on the minus strand). VCF-style: chr12-52652085-G-A. GRCh37 (hg19) VCF-style: chr12-53045869-G-A.
Other names: short protein forms R20W.
Identifiers: ClinVar variation 309629 (VCV000309629.14), dbSNP rs141817495, ClinGen allele CA6585981.